The following is an entry in ClinVar:

ClinVar aggregate classification (germline): Pathogenic (3 of 4 stars; one submission).

Conditions:
Glanzmann thrombasthenia. Also called: PLATELET GLYCOPROTEIN IIb-IIIa DEFICIENCY; BLEEDING DISORDER, PLATELET-TYPE, 2; THROMBASTHENIA OF GLANZMANN AND NAEGELI; Thrombasthenia; Glanzmann's thrombasthenia. Identifiers: Orphanet 849, MedGen C0040015, MONDO:0100326.

Submission:

ClinGen Platelet Disorders Variant Curation Expert Panel, ClinGen
Classification: Pathogenic for Glanzmann thrombasthenia. Last evaluated: 2022-08-05. Review status: reviewed by expert panel. Criteria: ClinGen Platelet ACMG Specifications v2-1. Collection method: curation. Allele origin: germline. Inheritance: Autosomal recessive inheritance.
Comment: NM_000419.5(ITGA2B):c.1771dup in exon 18 is a frameshift variant predicted to cause p.(p.Asp591GlyfsTer47), with a premature stop codon in exon 19/30 leading to nonsense mediated decay in a gene in which loss-of-function is an established disease mechanism (PVS1). At least two patient (GT31 in PMID: 25728920 and the patient in PMID: 17488698) with this variant displayed mucocutaneous bleeding and impaired aggregation with all agonists except ristocetin, which is highly specific for Glanzmann thrombasthenia. Additionally, αIIbβ3 surface expression was reduced to <5%, as measured by flow cytometry (PP4_strong). This variant is absent from gnomAD v2.1.1 (PM2_Supporting). In summary this variant meets criteria to be classified as Pathogenic for autosomal recessive Glanzmann Thrombasthenia based on the ACMG/AMP criteria applied, as specified by the ClinGen PD VCEP: PVS1, PP4_strong, PM2_supporting. (VCEP specifications version 2.1).

NM_000419.5(ITGA2B):c.1771dup (p.Asp591fs)

Gene: ITGA2B (integrin subunit alpha 2b; minus strand). Cytogenetic location: 17q21.31.
Variant type: Duplication.
Coding change: c.1771dup on transcript NM_000419.5 (MANE Select); coding-DNA position 1771, one base duplicated (G; older notation c.1771dupG).
Protein change: p.Asp591fs; shifts the reading frame from aspartic acid 591.
Molecular consequence: frameshift variant.
Genome position (GRCh38, 1-based): chr17:44,379,796, C duplicated on the plus strand (G on the coding strand, the reverse complement: ITGA2B is on the minus strand); the first of 3 consecutive C bases (chr17:44,379,796-44,379,798); duplicating any one gives the same sequence. VCF-style (leftmost placement, unchanged base first): chr17-44379795-T-TC. GRCh37 (hg19) VCF-style: chr17-42457163-T-TC.
Other names: NM_000419.5:c.1771dup; short protein forms D591fs.
Identifiers: ClinVar variation 1879036 (VCV001879036.1), dbSNP rs2510078797, ClinGen allele CA915940334.